The following is an entry in ClinVar:

ClinVar aggregate classification (germline): Uncertain significance (1 of 4 stars; one submission).

Allele frequency attached by ClinVar (database versions not stated): TOPMed 0.00001.
gnomAD v4.1: 1 of 1,571,378 alleles (0.000064%); highest among the groups gnomAD compares: Non-Finnish European, 0.000087%; no homozygotes.

Submission:

Labcorp Genetics (formerly Invitae), Labcorp
Classification: Uncertain significance. Last evaluated: 2022-09-23. Review status: criteria provided, single submitter. Criteria: Invitae Variant Classification Sherloc (09022015). Collection method: clinical testing. Allele origin: germline.
Comment: In summary, the available evidence is currently insufficient to determine the role of this variant in disease. Therefore, it has been classified as a Variant of Uncertain Significance. Variants that disrupt the consensus splice site are a relatively common cause of aberrant splicing (PMID: 17576681, 9536098). Algorithms developed to predict the effect of sequence changes on RNA splicing suggest that this variant is not likely to affect RNA splicing. This variant has not been reported in the literature in individuals affected with LZTR1-related conditions. This variant is not present in population databases (gnomAD no frequency). This sequence change falls in intron 11 of the LZTR1 gene. It does not directly change the encoded amino acid sequence of the LZTR1 protein. It affects a nucleotide within the consensus splice site.

Literature cited by the submitters: PubMed 17576681; PubMed 9536098.

NM_006767.4(LZTR1):c.1260+3G>T

Gene: LZTR1 (leucine zipper like post translational regulator 1; plus strand). Cytogenetic location: 22q11.21.
Variant type: single nucleotide variant.
Coding change: c.1260+3G>T on transcript NM_006767.4 (MANE Select); 3 bases into the intron after coding-DNA position 1260, G replaced by T.
Molecular consequence: intron variant.
Genome position (GRCh38, 1-based): chr22:20,992,907, G>T. VCF-style: chr22-20992907-G-T. GRCh37 (hg19) VCF-style: chr22-21347196-G-T.
Identifiers: ClinVar variation 1955210 (VCV001955210.5), dbSNP rs1408575907, ClinGen allele CA2396641278.
Genomic context (GRCh38, chr22:20,992,907, plus strand): 5'-CATCTTCGGGGGCACGGTGGACAACAACATCCGCAGCGGGGAGATGTACAGGTTCCAGGT[G>T]TGGGGCCTGTGGGCCTGTAGAGCCGGCTGGGTGGACGGATCCCCCGTGATGAGAAACTGA-3'